The following is an entry in ClinVar:

NM_002087.4(GRN):c.708+8A>T

Genes: GRN (granulin precursor; plus strand), LOC125177489 (Sharpr-MPRA regulatory region 15390; plus strand). Cytogenetic location: 17q21.31.
Variant type: single nucleotide variant.
Coding change: c.708+8A>T on transcript NM_002087.4 (MANE Select); 8 bases into the intron after coding-DNA position 708, A replaced by T.
Molecular consequence: intron variant.
Genome position (GRCh38, 1-based): chr17:44,350,808, A>T. VCF-style: chr17-44350808-A-T. GRCh37 (hg19) VCF-style: chr17-42428176-A-T.
Identifiers: ClinVar variation 704111 (VCV000704111.11), dbSNP rs370878457, ClinGen allele CA8601978.

ClinVar aggregate classification (germline): Benign. Review status: criteria provided, multiple submitters, no conflicts (2 of 4 stars). 3 submissions from 3 submitters: Benign (2). 1 of the submissions does not count toward it. Last evaluated 2026-01-06.

Conditions:
GRN-related disorder. Also called: GRN-related disorders; GRN-related condition.
Neuronal ceroid lipofuscinosis 11. Also called: GRN-Related Neuronal Ceroid-Lipofuscinosis. Identifiers: Orphanet 314629, Orphanet 79262, MedGen C3539123, MONDO:0013866, OMIM 614706.
GRN-related frontotemporal lobar degeneration with Tdp43 inclusions (FTD2). Also called: FRONTOTEMPORAL LOBAR DEGENERATION WITH UBIQUITIN-POSITIVE INCLUSIONS; FTLD-TDP, GRN-RELATED; GRN Frontotemporal Dementia; FRONTOTEMPORAL DEMENTIA WITH TDP43 INCLUSIONS, GRN-RELATED; DEMENTIA, HEREDITARY DYSPHASIC DISINHIBITION. Identifiers: Orphanet 100070, Orphanet 282, MedGen C1843792, MONDO:0011842, OMIM 607485. Disease mechanism: loss of function.

Allele frequency attached by ClinVar (database versions not stated): gnomAD exomes 0.00004 and 0.00014; ExAC 0.00016; ESP Exome Variant Server 0.00038; TOPMed 0.00056; 1000 Genomes Project 30x 0.00062; gnomAD 0.00062 and 0.00066; 1000 Genomes Project 0.00080.
gnomAD v4.1: 156 of 1,598,148 alleles (0.0098%); highest among the groups gnomAD compares: African/African-American, 0.2%; no homozygotes.

Submissions (3):

Labcorp Genetics (formerly Invitae), Labcorp
Classification: Benign for Neuronal ceroid lipofuscinosis 11; GRN-related frontotemporal lobar degeneration with Tdp43 inclusions. Last evaluated: 2026-01-06. Review status: criteria provided, single submitter. Criteria: Invitae Variant Classification Sherloc (09022015). Collection method: clinical testing. Allele origin: germline.

Athena Diagnostics
Classification: Benign. Last evaluated: 2019-06-25. Review status: criteria provided, single submitter. Criteria: Athena Diagnostics Criteria. Collection method: clinical testing. Allele origin: germline.

PreventionGenetics, part of Exact Sciences
Classification: Likely benign for GRN-related condition. Last evaluated: 2019-07-12. Review status: no assertion criteria provided. Collection method: clinical testing. Allele origin: germline. Not counted in ClinVar's aggregate classification.
Comment: This variant is classified as likely benign based on ACMG/AMP sequence variant interpretation guidelines (Richards et al. 2015 PMID: 25741868, with internal and published modifications).